The following is an entry in ClinVar:

NM_001458.5(FLNC):c.6949G>A (p.Val2317Met)

Genes: FLNC (filamin C; plus strand), FLNC-AS1 (FLNC antisense RNA 1; minus strand). Cytogenetic location: 7q32.1.
Variant type: single nucleotide variant.
Coding change: c.6949G>A on transcript NM_001458.5 (MANE Select); coding-DNA position 6949, G replaced by A.
Protein change: p.Val2317Met; replaces valine 2317 with methionine.
Molecular consequence: missense variant.
Genome position (GRCh38, 1-based): chr7:128,854,634, G>A. VCF-style: chr7-128854634-G-A. GRCh37 (hg19) VCF-style: chr7-128494688-G-A.
Other names: c.6850G>A, p.Val2284Met (NM_001127487.2); short protein forms V2284M, V2317M.
Identifiers: ClinVar variation 2002990 (VCV002002990.3), dbSNP rs2128939546, ClinGen allele CA369214293.

ClinVar aggregate classification (germline): Uncertain significance (1 of 4 stars; one submission).

Conditions:
Myofibrillar myopathy 5. Also called: Filaminopathy (type); FILAMINOPATHY, AUTOSOMAL DOMINANT. Identifiers: Orphanet 171445, MedGen C1836050, MONDO:0012289, OMIM 609524.
Distal myopathy with posterior leg and anterior hand involvement. Also called: WILLIAMS DISTAL MYOPATHY. Identifiers: Orphanet 63273, MedGen C3279722, MONDO:0013550, OMIM 614065.
Hypertrophic cardiomyopathy 26. Also called: Cardiomyopathy, familial hypertrophic, 26. Identifiers: Orphanet 75249, MedGen C4310749, MONDO:0014883, OMIM 617047.
Dilated Cardiomyopathy, Dominant.

Submission:

Labcorp Genetics (formerly Invitae), Labcorp
Classification: Uncertain significance for Distal myopathy with posterior leg and anterior hand involvement; Myofibrillar myopathy 5; Hypertrophic cardiomyopathy 26. Last evaluated: 2022-06-07. Review status: criteria provided, single submitter. Criteria: Invitae Variant Classification Sherloc (09022015). Collection method: clinical testing. Allele origin: germline.
Comment: In summary, the available evidence is currently insufficient to determine the role of this variant in disease. Therefore, it has been classified as a Variant of Uncertain Significance. Algorithms developed to predict the effect of missense changes on protein structure and function are either unavailable or do not agree on the potential impact of this missense change (SIFT: "Deleterious"; PolyPhen-2: "Probably Damaging"; Align-GVGD: "Class C0"). This variant has not been reported in the literature in individuals affected with FLNC-related conditions. This variant is not present in population databases (gnomAD no frequency). This sequence change replaces valine, which is neutral and non-polar, with methionine, which is neutral and non-polar, at codon 2317 of the FLNC protein (p.Val2317Met).